The following is an entry in ClinVar:

ClinVar aggregate classification (germline): Likely benign. Review status: criteria provided, single submitter (1 of 4 stars). 2 submissions from 2 submitters: Likely benign (1). 1 of the submissions does not count toward it. Last evaluated 2024-06-09.

Conditions:
MASP1-related disorder. Also called: MASP1-related condition.
3MC syndrome 1. Also called: MICHELS SYNDROME; CRANIOSYNOSTOSIS WITH LID ANOMALIES; OCULOPALATOSKELETAL SYNDROME. Identifiers: Orphanet 293843, MedGen C0796059, MONDO:0009770, OMIM 257920.

Allele frequency attached by ClinVar (database versions not stated): gnomAD 0.00005 and 0.00001; ExAC 0.00004; gnomAD exomes 0.00004 and 0.00007; TOPMed 0.00003.
gnomAD v4.1: 29 of 1,614,266 alleles (0.0018%); highest among the groups gnomAD compares: Admixed American, 0.048%; no homozygotes.

Submissions (2):

Labcorp Genetics (formerly Invitae), Labcorp
Classification: Likely benign for 3MC syndrome 1. Last evaluated: 2024-06-09. Review status: criteria provided, single submitter. Criteria: Invitae Variant Classification Sherloc (09022015). Collection method: clinical testing. Allele origin: germline.

PreventionGenetics, part of Exact Sciences
Classification: Likely benign for MASP1-related condition. Last evaluated: 2019-03-11. Review status: no assertion criteria provided. Collection method: clinical testing. Allele origin: germline. Not counted in ClinVar's aggregate classification.
Comment: This variant is classified as likely benign based on ACMG/AMP sequence variant interpretation guidelines (Richards et al. 2015 PMID: 25741868, with internal and published modifications).

NM_139125.4(MASP1):c.1564T>C (p.Leu522=)

Gene: MASP1 (MBL associated serine protease 1; minus strand). Cytogenetic location: 3q27.3.
Variant type: single nucleotide variant.
Coding change: c.1564T>C on transcript NM_139125.4 (MANE Select); coding-DNA position 1564, T replaced by C.
Protein change: p.Leu522=; no amino-acid change (leucine 522 retained).
Molecular consequence: synonymous variant. On other transcripts: non-coding transcript variant (1), intron variant (1).
Genome position (GRCh38, 1-based): chr3:187,236,307, A>G on the plus strand (T>C on the coding strand, the complement: MASP1 is on the minus strand). VCF-style: chr3-187236307-A-G. GRCh37 (hg19) VCF-style: chr3-186954095-A-G.
Other names: c.1303+5174T>C (NM_001879.6).
Identifiers: ClinVar variation 778787 (VCV000778787.7), dbSNP rs746668942, ClinGen allele CA2749234.